The following is an entry in ClinVar:

NM_002294.3(LAMP2):c.902T>C (p.Ile301Thr)

Gene: LAMP2 (lysosome associated membrane protein 2; minus strand). Cytogenetic location: Xq24.
Variant type: single nucleotide variant.
Coding change: c.902T>C on transcript NM_002294.3 (MANE Select); coding-DNA position 902, T replaced by C.
Protein change: p.Ile301Thr; replaces isoleucine 301 with threonine.
Molecular consequence: missense variant.
Genome position (GRCh38, 1-based): chrX:120,442,625, A>G on the plus strand (T>C on the coding strand, the complement: LAMP2 is on the minus strand). VCF-style: chrX-120442625-A-G. GRCh37 (hg19) VCF-style: chrX-119576480-A-G.
Other names: c.902T>C, p.Ile301Thr (NM_001122606.1, NM_013995.2); short protein forms I301T.
Identifiers: ClinVar variation 4859129 (VCV004859129.1).

ClinVar aggregate classification (germline): Uncertain significance (1 of 4 stars; one submission).

Conditions:
Cardiovascular phenotype. Identifiers: MedGen CN230736.

Submission:

Ambry Genetics
Classification: Uncertain significance for Cardiovascular phenotype. Last evaluated: 2026-05-14. Review status: criteria provided, single submitter. Criteria: Ambry Variant Classification Scheme 2023. Collection method: clinical testing. Allele origin: germline.
Comment: The p.I301T variant (also known as c.902T>C), located in coding exon 7 of the LAMP2 gene, results from a T to C substitution at nucleotide position 902. The isoleucine at codon 301 is replaced by threonine, an amino acid with similar properties. This amino acid position is conserved. In addition, this alteration is predicted to be tolerated by in silico analysis. Based on the available evidence, the clinical significance of this variant remains unclear.